The following is an entry in ClinVar:

NM_001142800.2(EYS):c.3165-2A>G

Gene: EYS (EGF-like photoreceptor maintenance factor; minus strand). Cytogenetic location: 6q12.
Variant type: single nucleotide variant.
Coding change: c.3165-2A>G on transcript NM_001142800.2 (MANE Select); the canonical splice acceptor site of the intron before coding-DNA position 3165, A replaced by G.
Molecular consequence: splice acceptor variant.
Genome position (GRCh38, 1-based): chr6:64,821,725, T>C on the plus strand (A>G on the coding strand, the complement: EYS is on the minus strand). VCF-style: chr6-64821725-T-C. GRCh37 (hg19) VCF-style: chr6-65531618-T-C.
Other names: c.3165-2A>G (NM_001292009.2).
Identifiers: ClinVar variation 1494617 (VCV001494617.8), dbSNP rs2150022025, ClinGen allele CA364787315.

ClinVar aggregate classification (germline): Likely pathogenic (1 of 4 stars; one submission).

Submission:

Labcorp Genetics (formerly Invitae), Labcorp
Classification: Likely pathogenic. Last evaluated: 2020-11-01. Review status: criteria provided, single submitter. Criteria: Invitae Variant Classification Sherloc (09022015). Collection method: clinical testing. Allele origin: germline.
Comment: In summary, the currently available evidence indicates that the variant is pathogenic, but additional data are needed to prove that conclusively. Therefore, this variant has been classified as Likely Pathogenic. Algorithms developed to predict the effect of sequence changes on RNA splicing suggest that this variant may disrupt the consensus splice site, but this prediction has not been confirmed by published transcriptional studies. This variant has not been reported in the literature in individuals with EYS-related conditions. This variant is not present in population databases (ExAC no frequency). This sequence change affects an acceptor splice site in intron 20 of the EYS gene. It is expected to disrupt RNA splicing. Variants that disrupt the donor or acceptor splice site typically lead to a loss of protein function (PMID: 16199547), and loss-of-function variants in EYS are known to be pathogenic (PMID: 18836446, 20333770).

Literature cited by the submitters: PubMed 16199547; PubMed 18836446; PubMed 20333770.